The following is an entry in ClinVar:

ClinVar aggregate classification (germline): Likely pathogenic (1 of 4 stars; one submission).

Conditions:
Autosomal recessive polycystic kidney disease (ARPKD). Also called: AR polycystic kidney disease. Identifiers: Orphanet 731, Orphanet 8378, MedGen C0085548, MeSH D017044, MONDO:0009889.

Submission:

Natera, Inc.
Classification: Likely pathogenic for Autosomal recessive polycystic kidney disease. Last evaluated: 2025-08-26. Review status: criteria provided, single submitter. Criteria: Natera Variant Classification Schema (03/2026). Collection method: clinical testing. Allele origin: germline.
Comment: The c.8107+1G>A variant in PKHD1 is a canonical splice donor site variant predicted to affect pre-mRNA splicing, which may result in an abnormal transcript and altered protein product. This variant is expected to result in nonsense mediated decay, truncation, or a dysfunctional protein product. This variant is rare in the general population with a frequency below the threshold expected for the associated phenotype(s). Given the available evidence, this variant is classified as Likely Pathogenic.

NM_138694.4(PKHD1):c.8107+1G>A

Gene: PKHD1 (PKHD1 ciliary IPT domain containing fibrocystin/polyductin; minus strand). Cytogenetic location: 6p12.2.
Variant type: single nucleotide variant.
Coding change: c.8107+1G>A on transcript NM_138694.4 (MANE Select); the canonical splice donor site of the intron after coding-DNA position 8107, G replaced by A.
Molecular consequence: splice donor variant.
Genome position (GRCh38, 1-based): chr6:51,847,774, C>T on the plus strand (G>A on the coding strand, the complement: PKHD1 is on the minus strand). VCF-style: chr6-51847774-C-T. GRCh37 (hg19) VCF-style: chr6-51712572-C-T.
Other names: c.8107+1G>A (NM_170724.3).
Identifiers: ClinVar variation 4816759 (VCV004816759.1).